The following is an entry in ClinVar:

NM_000257.4(MYH7):c.3328G>A (p.Glu1110Lys)

Gene: MYH7 (myosin heavy chain 7; minus strand). Cytogenetic location: 14q11.2.
Variant type: single nucleotide variant.
Coding change: c.3328G>A on transcript NM_000257.4 (MANE Select); coding-DNA position 3328, G replaced by A.
Protein change: p.Glu1110Lys; replaces glutamic acid 1110 with lysine.
Molecular consequence: missense variant.
Genome position (GRCh38, 1-based): chr14:23,420,966, C>T on the plus strand (G>A on the coding strand, the complement: MYH7 is on the minus strand). VCF-style: chr14-23420966-C-T. GRCh37 (hg19) VCF-style: chr14-23890175-C-T.
Other names: short protein forms E1110K.
Identifiers: ClinVar variation 407179 (VCV000407179.8), dbSNP rs1060501440, ClinGen allele CA16614086.

ClinVar aggregate classification (germline): Uncertain significance (1 of 4 stars; one submission).

Conditions:
Hypertrophic cardiomyopathy. Also called: HYPERTROPHIC MYOCARDIOPATHY. Identifiers: Orphanet 217569, MedGen C0007194, MeSH D002312, MONDO:0005045, HP:0001639.

Submission:

Labcorp Genetics (formerly Invitae), Labcorp
Classification: Uncertain significance for Hypertrophic cardiomyopathy. Last evaluated: 2023-04-06. Review status: criteria provided, single submitter. Criteria: Invitae Variant Classification Sherloc (09022015). Collection method: clinical testing. Allele origin: germline.
Comment: In summary, the available evidence is currently insufficient to determine the role of this variant in disease. Therefore, it has been classified as a Variant of Uncertain Significance. Advanced modeling of protein sequence and biophysical properties (such as structural, functional, and spatial information, amino acid conservation, physicochemical variation, residue mobility, and thermodynamic stability) performed at Invitae indicates that this missense variant is expected to disrupt MYH7 protein function. ClinVar contains an entry for this variant (Variation ID: 407179). This missense change has been observed in individual(s) with MYH7-related conditions (Invitae). This variant is not present in population databases (gnomAD no frequency). This sequence change replaces glutamic acid, which is acidic and polar, with lysine, which is basic and polar, at codon 1110 of the MYH7 protein (p.Glu1110Lys).